The following is an entry in ClinVar:

ClinVar aggregate classification (germline): Likely benign (1 of 4 stars; one submission).

Allele frequency attached by ClinVar (database versions not stated): 1000 Genomes Project 30x 0.00094; 1000 Genomes Project 0.00100; ExAC 0.00315; gnomAD 0.00338; TOPMed 0.00342; ESP Exome Variant Server 0.00438.

Submission:

CeGaT Center for Human Genetics Tuebingen
Classification: Likely benign. Last evaluated: 2022-11-01. Review status: criteria provided, single submitter. Criteria: CeGaT Center For Human Genetics Tuebingen Variant Classification Criteria Version 2. Collection method: clinical testing. Allele origin: germline. Affected: yes. Observed: 2 variant alleles.
Comment: PTK2B: BP4, BP7, BS2

NM_173176.3(PTK2B):c.2548C>T (p.Leu850=)

Gene: PTK2B (protein tyrosine kinase 2 beta; plus strand). Cytogenetic location: 8p21.2.
Variant type: single nucleotide variant.
Coding change: c.2548C>T on transcript NM_173176.3 (MANE Select); coding-DNA position 2548, C replaced by T.
Protein change: p.Leu850=; no amino-acid change (leucine 850 retained).
Molecular consequence: synonymous variant.
Genome position (GRCh38, 1-based): chr8:27,451,509, C>T. VCF-style: chr8-27451509-C-T. GRCh37 (hg19) VCF-style: chr8-27309026-C-T.
Other names: c.2548C>T, p.Leu850= (NM_004103.4, NM_173174.3); c.2422C>T, p.Leu808= (NM_173175.2).
Identifiers: ClinVar variation 2658500 (VCV002658500.24), dbSNP rs41276293, ClinGen allele CA4689145.
Genomic context (GRCh38, chr8:27,451,509, plus strand): 5'-GAGTGACGTTCCTGTTCTCTTTCCTCCTTCCTCCAGACGCCAGAGAAGGAGGTCGGCTAC[C>T]GTGAGTGTTCCCGCCCTTCTTCGGGGGGTTTCCTCTTGGCACCTTGTGCAGAGCCACCAT-3'
Protein context (NP_775268.1, residues 840-860): PLTPEKEVGY[Leu850=]EFTGPPQKPP